The following is an entry in ClinVar:

ClinVar aggregate classification (germline): Uncertain significance (1 of 4 stars; one submission).

Conditions:
Charcot-Marie-Tooth disease type 4. Also called: Charcot-Marie-Tooth disease, type IV; Charcot-Marie-Tooth, Type 4. Identifiers: Orphanet 64749, MedGen C4082197, MONDO:0018995.

Submission:

Labcorp Genetics (formerly Invitae), Labcorp
Classification: Uncertain significance for Charcot-Marie-Tooth disease type 4. Last evaluated: 2021-08-04. Review status: criteria provided, single submitter. Criteria: Invitae Variant Classification Sherloc (09022015). Collection method: clinical testing. Allele origin: germline.
Comment: This sequence change replaces serine with cysteine at codon 1738 of the SBF2 protein (p.Ser1738Cys). The serine residue is moderately conserved and there is a moderate physicochemical difference between serine and cysteine. This variant is not present in population databases (ExAC no frequency). This variant has not been reported in the literature in individuals affected with SBF2-related conditions. Algorithms developed to predict the effect of missense changes on protein structure and function (SIFT, PolyPhen-2, Align-GVGD) all suggest that this variant is likely to be tolerated. In summary, the available evidence is currently insufficient to determine the role of this variant in disease. Therefore, it has been classified as a Variant of Uncertain Significance.

NM_030962.4(SBF2):c.5213C>G (p.Ser1738Cys)

Genes: SBF2 (SET binding factor 2; minus strand), SBF2-AS1 (SBF2 antisense RNA 1; plus strand), LOC105369149 (uncharacterized LOC105369149; plus strand). Cytogenetic location: 11p15.4.
Variant type: single nucleotide variant.
Coding change: c.5213C>G on transcript NM_030962.4 (MANE Select); coding-DNA position 5213, C replaced by G.
Protein change: p.Ser1738Cys; replaces serine 1738 with cysteine.
Molecular consequence: missense variant.
Genome position (GRCh38, 1-based): chr11:9,785,143, G>C on the plus strand (C>G on the coding strand, the complement: SBF2 is on the minus strand). VCF-style: chr11-9785143-G-C. GRCh37 (hg19) VCF-style: chr11-9806690-G-C.
Other names: c.5309C>G, p.Ser1770Cys (NM_001386339.1); c.5084C>G, p.Ser1695Cys (NM_001386342.1); short protein forms S1770C, S1695C, S1738C.
Identifiers: ClinVar variation 1380463 (VCV001380463.6), dbSNP rs2133849900, ClinGen allele CA379631469.